The following is an entry in ClinVar:

ClinVar aggregate classification (germline): Likely pathogenic (1 of 4 stars; one submission).

Conditions:
Thrombophilia due to protein C deficiency, autosomal dominant. Also called: PROC DEFICIENCY, AUTOSOMAL DOMINANT; PROTEIN C DEFICIENCY, AUTOSOMAL DOMINANT. Identifiers: Orphanet 745, MedGen C2674321, MONDO:0008316, OMIM 176860. Disease mechanism: loss of function.
Thrombophilia due to protein C deficiency, autosomal recessive. Also called: PROC DEFICIENCY, AUTOSOMAL RECESSIVE; PROTEIN C DEFICIENCY, AUTOSOMAL RECESSIVE. Identifiers: Orphanet 745, MedGen C2676759, MONDO:0012860, OMIM 612304.

Submission:

Juno Genomics, Hangzhou Juno Genomics, Inc
Classification: Likely pathogenic for Thrombophilia due to protein C deficiency, autosomal dominant; Thrombophilia due to protein C deficiency, autosomal recessive. Review status: criteria provided, single submitter. Criteria: ACMG Guidelines, 2015. Collection method: clinical testing. Allele origin: germline.
Comment: Null variant in a gene where loss of function (LOF) is a known mechanism of disease.;Absent from controls (or at extremely low frequency if recessive) in Genome Aggregation Database.

NM_000312.4(PROC):c.536-1G>A

Gene: PROC (protein C, inactivator of coagulation factors Va and VIIIa; plus strand). Cytogenetic location: 2q14.3.
Variant type: single nucleotide variant.
Coding change: c.536-1G>A on transcript NM_000312.4 (MANE Select); the canonical splice acceptor site of the intron before coding-DNA position 536, G replaced by A.
Molecular consequence: splice acceptor variant.
Genome position (GRCh38, 1-based): chr2:127,426,084, G>A. VCF-style: chr2-127426084-G-A. GRCh37 (hg19) VCF-style: chr2-128183660-G-A.
Other names: c.479-1G>A (NM_001375608.1); c.530-1G>A (NM_001375610.1); c.704-1G>A (NM_001375606.1); c.701-1G>A (NM_001375603.1); c.599-1G>A (NM_001375604.1); c.512-1G>A (NM_001375609.1); c.536-1G>A (NM_001375613.1, NM_001375611.1); c.719-1G>A (NM_001375602.1); and 2 more.
Identifiers: ClinVar variation 5006065 (VCV005006065.2).